The following is an entry in ClinVar:

ClinVar aggregate classification (germline): Pathogenic. Review status: reviewed by expert panel (3 of 4 stars). 2 submissions from 2 submitters: Pathogenic (1). 1 of the submissions does not count toward it. Last evaluated 2016-10-18.

Conditions:
Breast-ovarian cancer, familial, susceptibility to, 1 (BROVCA1). Also called: BRCA1 Hereditary Breast and Ovarian Cancer; OVARIAN CANCER, SUSCEPTIBILITY TO. Identifiers: Orphanet 145, MedGen C2676676, MONDO:0011450, OMIM 604370. Disease mechanism: loss of function.

Submissions (2):

Evidence-based Network for the Interpretation of Germline Mutant Alleles (ENIGMA)
Classification: Pathogenic for Breast-ovarian cancer, familial, susceptibility to, 1. Last evaluated: 2016-10-18. Review status: reviewed by expert panel. Criteria: ENIGMA BRCA1/2 Classification Criteria (2015). Collection method: curation. Allele origin: germline.
Comment: Variant allele predicted to encode a truncated non-functional protein.

Consortium of Investigators of Modifiers of BRCA1/2 (CIMBA), c/o University of Cambridge
Classification: Pathogenic for Breast-ovarian cancer, familial, susceptibility to, 1. Last evaluated: 2015-10-02. Review status: criteria provided, single submitter. Criteria: CIMBA Mutation Classification guidelines May 2016. Collection method: clinical testing. Allele origin: germline. Not counted in ClinVar's aggregate classification.

NM_007294.4(BRCA1):c.1044_1045insTCAC (p.Glu349fs)

Gene: BRCA1 (BRCA1 DNA repair associated; minus strand). Cytogenetic location: 17q21.31.
Variant type: Insertion.
Coding change: c.1044_1045insTCAC on transcript NM_007294.4 (MANE Select); coding-DNA positions 1044 to 1045, TCAC inserted.
Protein change: p.Glu349fs; shifts the reading frame from glutamic acid 349.
Molecular consequence: frameshift variant. On other transcripts: intron variant (137).
Genome position: GRCh38 VCF-style: chr17-43094486-C-CGTGA. GRCh37 (hg19) VCF-style: chr17-41246503-C-CGTGA.
Other names: 1163insTCAC; c.831_832insTCAC, p.Glu278fs (NM_001407896.1, NM_001407897.1, NM_001407898.1 and 9 more transcripts); c.834_835insTCAC, p.Glu279fs (NM_001407900.1, NM_001407902.1, NM_001407904.1 and 13 more transcripts); c.921_922insTCAC, p.Glu308fs (NM_001407919.1, NM_001407937.1, NM_001407938.1 and 19 more transcripts); c.780_781insTCAC, p.Glu261fs (NM_001407920.1, NM_001407921.1, NM_001407922.1 and 9 more transcripts); c.777_778insTCAC, p.Glu260fs (NM_001407930.1, NM_001407931.1, NM_001407932.1 and 2 more transcripts); c.918_919insTCAC, p.Glu307fs (NM_001407940.1, NM_001407941.1, NM_001407649.1 and 11 more transcripts); c.903_904insTCAC, p.Glu302fs (NM_001407942.1, NM_001407944.1, NM_001407945.1 and 29 more transcripts); and 41 more; short protein forms E302fs, E349fs, E221fs, E261fs, E308fs, E348fs, E181fs, E279fs.
Identifiers: ClinVar variation 266133 (VCV000266133.6), dbSNP rs886039923, ClinGen allele CA10589971.